The following is an entry in ClinVar:

ClinVar aggregate classification (germline): Conflicting classifications of pathogenicity. Review status: criteria provided, conflicting classifications (1 of 4 stars). 5 submissions from 5 submitters: Likely pathogenic (1); Uncertain significance (2); Likely benign (2). Last evaluated 2025-09-14.

Conditions:
Marfan syndrome (MFS). Also called: MARFAN SYNDROME, TYPE I; FBN1-Related Marfan Syndrome; Marfan syndrome, classic; Marfan syndrome type 1; Marfan's syndrome. Identifiers: Orphanet 284963, Orphanet 558, MedGen C0024796, MONDO:0007947, OMIM 154700.
Familial thoracic aortic aneurysm and aortic dissection (TAAD). Also called: Thoracic aortic aneurysms and dissections. Identifiers: Orphanet 91387, MedGen C4707243, MONDO:0019625.
FBN1-related disorder. Also called: FBN1-related disorders.

Submissions (5):

Labcorp Genetics (formerly Invitae), Labcorp
Classification: Likely benign for Marfan syndrome; Familial thoracic aortic aneurysm and aortic dissection. Last evaluated: 2025-09-14. Review status: criteria provided, single submitter. Criteria: Invitae Variant Classification Sherloc (09022015). Collection method: clinical testing. Allele origin: germline.

Ambry Genetics
Classification: Uncertain significance for Familial thoracic aortic aneurysm and aortic dissection. Last evaluated: 2025-06-11. Review status: criteria provided, single submitter. Criteria: Ambry Variant Classification Scheme 2023. Collection method: clinical testing. Allele origin: germline.
Comment: The c.4935G>A variant (also known as p.V1645V), located in coding exon 39 of the FBN1 gene, results from a G to A substitution at nucleotide position 4935. This nucleotide substitution does not change the amino acid at codon 1645. This variant has been reported in a Marfan syndrome cohort (Meester JAN et al. Genet Med, 2022 May;24:1045-1053). This nucleotide position is not well conserved in available vertebrate species. In silico splice site analysis predicts that this alteration will result in the creation or strengthening of a novel splice donor site. Based on the available evidence, the clinical significance of this variant remains unclear.

Women's Health and Genetics/Laboratory Corporation of America, LabCorp
Classification: Likely benign. Last evaluated: 2024-12-10. Review status: criteria provided, single submitter. Criteria: LabCorp Variant Classification Summary - May 2015. Collection method: clinical testing. Allele origin: germline.
Comment: Variant summary: FBN1 c.4935G>A results in a synonymous change. Consensus agreement among computation tools predict no significant impact on normal splicing (TrAP). However, these predictions have yet to be confirmed by functional studies. The variant was absent in 251250 control chromosomes. The available data on variant occurrences in the general population are insufficient to allow any conclusion about variant significance. To our knowledge, no occurrence of c.4935G>A in individuals affected with Marfan Syndrome and no experimental evidence demonstrating its impact on protein function have been reported. ClinVar contains an entry for this variant (Variation ID: 263692). Based on the evidence outlined above, the variant was classified as likely benign.

Centre of Medical Genetics, University of Antwerp
Classification: Uncertain significance for Marfan syndrome. Last evaluated: 2021-03-01. Review status: criteria provided, single submitter. Criteria: Submitter's publication. Collection method: research. Allele origin: unknown. Affected: yes.
Comment: PM2, PP3, PP4

Blueprint Genetics
Classification: Likely pathogenic for FBN1-related disorders. Last evaluated: 2018-11-16. Review status: criteria provided, single submitter. Criteria: ACMG Guidelines, 2015. Collection method: clinical testing. Allele origin: germline. Affected: yes. Observed: 1 variant allele.

Literature cited by the submitters: PubMed 35058154 (cited by Ambry Genetics).

NM_000138.5(FBN1):c.4935G>A (p.Val1645=)

Gene: FBN1 (fibrillin 1; minus strand). Cytogenetic location: 15q21.1.
Variant type: single nucleotide variant.
Coding change: c.4935G>A on transcript NM_000138.5 (MANE Select); coding-DNA position 4935, G replaced by A.
Protein change: p.Val1645=; no amino-acid change (valine 1645 retained).
Molecular consequence: synonymous variant.
Genome position (GRCh38, 1-based): chr15:48,465,575, C>T on the plus strand (G>A on the coding strand, the complement: FBN1 is on the minus strand). VCF-style: chr15-48465575-C-T. GRCh37 (hg19) VCF-style: chr15-48757772-C-T.
Identifiers: ClinVar variation 263692 (VCV000263692.35), dbSNP rs886038897, ClinGen allele CA10587820.